The following is an entry in ClinVar:

ClinVar aggregate classification (germline): Uncertain significance. Review status: criteria provided, multiple submitters, no conflicts (2 of 4 stars). 2 submissions from 2 submitters: Uncertain significance (2). Last evaluated 2025-09-25.

Conditions:
Inborn genetic diseases. Identifiers: MedGen C0950123, MeSH D030342.

gnomAD v4.1: 97 of 1,612,988 alleles (0.006%); highest among the groups gnomAD compares: South Asian, 0.094%; 1 homozygote.

Submissions (2):

Ambry Genetics
Classification: Uncertain significance for Inborn genetic diseases. Last evaluated: 2025-09-25. Review status: criteria provided, single submitter. Criteria: Ambry Variant Classification Scheme 2023. Collection method: clinical testing. Allele origin: germline.

Labcorp Genetics (formerly Invitae), Labcorp
Classification: Uncertain significance. Last evaluated: 2025-08-04. Review status: criteria provided, single submitter. Criteria: Invitae Variant Classification Sherloc (09022015). Collection method: clinical testing. Allele origin: germline.
Comment: This sequence change replaces alanine, which is neutral and non-polar, with threonine, which is neutral and polar, at codon 124 of the SERPINB7 protein (p.Ala124Thr). This variant is present in population databases (rs567475514, gnomAD 0.1%). This variant has not been reported in the literature in individuals affected with SERPINB7-related conditions. An algorithm developed to predict the effect of missense changes on protein structure and function (PolyPhen-2) suggests that this variant is likely to be disruptive. In summary, the available evidence is currently insufficient to determine the role of this variant in disease. Therefore, it has been classified as a Variant of Uncertain Significance.

NM_003784.4(SERPINB7):c.370G>A (p.Ala124Thr)

Gene: SERPINB7 (serpin family B member 7; plus strand). Cytogenetic location: 18q21.33.
Variant type: single nucleotide variant.
Coding change: c.370G>A on transcript NM_003784.4 (MANE Select); coding-DNA position 370, G replaced by A.
Protein change: p.Ala124Thr; replaces alanine 124 with threonine.
Molecular consequence: missense variant.
Genome position (GRCh38, 1-based): chr18:63,796,299, G>A. VCF-style: chr18-63796299-G-A. GRCh37 (hg19) VCF-style: chr18-61463533-G-A.
Other names: c.370G>A, p.Ala124Thr (NM_001040147.3, NM_001261830.2); c.319G>A, p.Ala107Thr (NM_001261831.2); short protein forms A124T, A107T.
Identifiers: ClinVar variation 4630503 (VCV004630503.2).